The following is an entry in ClinVar:

ClinVar aggregate classification (germline): Likely benign (1 of 4 stars; one submission).

Conditions:
SEMA3D-related disorder. Also called: SEMA3D-related condition.

gnomAD v4.1: 88 of 1,585,428 alleles (0.0056%); highest among the groups gnomAD compares: East Asian, 0.15%; 1 homozygote.

Submissions (2):

PreventionGenetics, part of Exact Sciences
Classification: Likely benign for SEMA3D-related condition. Last evaluated: 2025-06-03. Review status: criteria provided, single submitter. Criteria: ACMG Guidelines, 2015. Collection method: clinical testing. Allele origin: germline.
Comment: This variant is classified as likely benign based on ACMG/AMP sequence variant interpretation guidelines (Richards et al. 2015 PMID: 25741868, with internal and published modifications).

Dr. Peter K. Rogan Lab, Western University
No classification provided (evidence only). Condition: Thymoma. Review status: no classification provided. Collection method: in vitro. Allele origin: not applicable. Functional consequence: retained intron. Not counted in ClinVar's aggregate classification.

NM_001384900.1(SEMA3D):c.1908+5G>A

Gene: SEMA3D (semaphorin 3D; minus strand). Cytogenetic location: 7q21.11.
Variant type: single nucleotide variant.
Coding change: c.1908+5G>A on transcript NM_001384900.1 (MANE Select); 5 bases into the intron after coding-DNA position 1908, G replaced by A.
Molecular consequence: intron variant.
Genome position (GRCh38, 1-based): chr7:85,006,797, C>T on the plus strand (G>A on the coding strand, the complement: SEMA3D is on the minus strand). VCF-style: chr7-85006797-C-T. GRCh37 (hg19) VCF-style: chr7-84636113-C-T.
Other names: NC_000007.13:g.84636113C>T; c.1908+5G>A (NM_001384901.1, NM_001384903.1, NM_001384902.1 and 2 more transcripts).
Identifiers: ClinVar variation 4340144 (VCV004340144.2).
Genomic context (GRCh38, chr7:85,006,797, plus strand): 5'-TTGAACATCTCTCAATCGTACACTATTTCCCTCAAAGTGAGTATTCTTTGATGACAACAG[C>T]TTACCTCCTCTCGATGCTCATCCCCTGACCTCTGGATATACCATTTAATAGTTGCTTGTT-3'